The following is an entry in ClinVar:

ClinVar aggregate classification (germline): Uncertain significance (1 of 4 stars; one submission).

Submission:

Labcorp Genetics (formerly Invitae), Labcorp
Classification: Uncertain significance. Last evaluated: 2021-01-28. Review status: criteria provided, single submitter. Criteria: Invitae Variant Classification Sherloc (09022015). Collection method: clinical testing. Allele origin: germline.
Comment: This variant, c.1146_1148dup, results in the insertion of 1 amino acid(s) to the DEF6 protein (p.Glu383dup), but otherwise preserves the integrity of the reading frame. The frequency data for this variant in the population databases is considered unreliable, as metrics indicate insufficient coverage at this position in the ExAC database. This variant has not been reported in the literature in individuals with DEF6-related conditions. Experimental studies and prediction algorithms are not available or were not evaluated, and the functional significance of this variant is currently unknown. In summary, the available evidence is currently insufficient to determine the role of this variant in disease. Therefore, it has been classified as a Variant of Uncertain Significance.

NM_022047.4(DEF6):c.1137GGA[5] (p.Glu383dup)

Gene: DEF6 (DEF6 guanine nucleotide exchange factor; plus strand). Cytogenetic location: 6p21.31.
Variant type: Microsatellite.
Coding change: c.1137GGA[5] on transcript NM_022047.4 (MANE Select); five copies in a row of the 3-base unit GGA starting at c.1137; the reference has four copies in a row; one copy, 3 bases duplicated.
Protein change: p.Glu383dup; duplicates glutamic acid 383.
Molecular consequence: inframe insertion.
Genome position (GRCh38, 1-based): chr6:35,318,402-35,318,404, GGA duplicated; duplicating any 3 consecutive bases within chr6:35,318,392-35,318,404 gives the same sequence; the position shown is the placement nearest the transcript's 3' end. VCF-style (leftmost placement, unchanged base first): chr6-35318391-C-CAGG. GRCh37 (hg19) VCF-style: chr6-35286168-C-CAGG.
Identifiers: ClinVar variation 1472775 (VCV001472775.7), dbSNP rs1404632227, ClinGen allele CA566702646.